The following is an entry in ClinVar:

NM_006648.4(WNK2):c.4060T>C (p.Ser1354Pro)

Gene: WNK2 (WNK lysine deficient protein kinase 2; plus strand). Cytogenetic location: 9q22.31.
Variant type: single nucleotide variant.
Coding change: c.4060T>C on transcript NM_006648.4 (MANE Select); coding-DNA position 4060, T replaced by C.
Protein change: p.Ser1354Pro; replaces serine 1354 with proline.
Molecular consequence: missense variant.
Genome position (GRCh38, 1-based): chr9:93,288,814, T>C. VCF-style: chr9-93288814-T-C. GRCh37 (hg19) VCF-style: chr9-96051096-T-C.
Other names: c.4171T>C, p.Ser1391Pro (NM_001282394.3); short protein forms S1391P, S1354P.
Identifiers: ClinVar variation 3817074 (VCV003817074.1).

ClinVar aggregate classification (germline): Uncertain significance (1 of 4 stars; one submission).

gnomAD v4.1: 3 of 1,611,934 alleles (0.00019%); highest among the groups gnomAD compares: Non-Finnish European, 0.00025%; no homozygotes.

Submission:

Ambry Genetics
Classification: Uncertain significance. Last evaluated: 2025-02-14. Review status: criteria provided, single submitter. Criteria: Ambry Variant Classification Scheme 2023. Collection method: clinical testing. Allele origin: germline.
Comment: The p.S1354P variant (also known as c.4060T>C), located in coding exon 19 of the WNK2 gene, results from a T to C substitution at nucleotide position 4060. The serine at codon 1354 is replaced by proline, an amino acid with similar properties. This amino acid position is conserved. In addition, this alteration is predicted to be tolerated by in silico analysis. Based on the available evidence, the clinical significance of this variant remains unclear.